The following is an entry in ClinVar:

NM_006306.4(SMC1A):c.1545+5G>A

Gene: SMC1A (structural maintenance of chromosomes 1A; minus strand). Cytogenetic location: Xp11.22.
Variant type: single nucleotide variant.
Coding change: c.1545+5G>A on transcript NM_006306.4 (MANE Select); 5 bases into the intron after coding-DNA position 1545, G replaced by A.
Molecular consequence: intron variant.
Genome position (GRCh38, 1-based): chrX:53,409,057, C>T on the plus strand (G>A on the coding strand, the complement: SMC1A is on the minus strand). VCF-style: chrX-53409057-C-T. GRCh37 (hg19) VCF-style: chrX-53435988-C-T.
Other names: c.1479+5G>A (NM_001281463.1).
Identifiers: ClinVar variation 1326800 (VCV001326800.9), dbSNP rs113714434, ClinGen allele CA329907443.

ClinVar aggregate classification (germline): Uncertain significance. Review status: criteria provided, multiple submitters, no conflicts (2 of 4 stars). 3 submissions from 3 submitters: Uncertain significance (3). Last evaluated 2024-12-08.

Conditions:
Congenital muscular hypertrophy-cerebral syndrome (CDLS2). Also called: Cornelia de Lange syndrome 2; SMC1A-Related Cornelia de Lange Syndrome. Identifiers: Orphanet 199, MedGen C1802395, MONDO:0010370, OMIM 300590.
Developmental and epileptic encephalopathy, 85, with or without midline brain defects. Also called: EPILEPTIC ENCEPHALOPATHY, EARLY INFANTILE, 85, WITH OR WITHOUT MIDLINE BRAIN DEFECTS. Identifiers: MedGen C5393312, MONDO:0026771, OMIM 301044.

Allele frequency attached by ClinVar (database versions not stated): gnomAD exomes below 0.00001 and 0.00001; gnomAD 0.00002; TOPMed 0.00004.
gnomAD v4.1: 5 of 1,205,734 alleles (0.00041%); highest among the groups gnomAD compares: African/African-American, 0.0018%; no homozygotes.

Submissions (3):

Labcorp Genetics (formerly Invitae), Labcorp
Classification: Uncertain significance for Congenital muscular hypertrophy-cerebral syndrome. Last evaluated: 2024-12-08. Review status: criteria provided, single submitter. Criteria: Invitae Variant Classification Sherloc (09022015). Collection method: clinical testing. Allele origin: germline.
Comment: This sequence change falls in intron 9 of the SMC1A gene. It does not directly change the encoded amino acid sequence of the SMC1A protein. It affects a nucleotide within the consensus splice site. This variant is present in population databases (rs113714434, gnomAD 0.001%). This variant has not been reported in the literature in individuals affected with SMC1A-related conditions. ClinVar contains an entry for this variant (Variation ID: 1326800). Variants that disrupt the consensus splice site are a relatively common cause of aberrant splicing (PMID: 17576681, 9536098). Algorithms developed to predict the effect of sequence changes on RNA splicing suggest that this variant may disrupt the consensus splice site. In summary, the available evidence is currently insufficient to determine the role of this variant in disease. Therefore, it has been classified as a Variant of Uncertain Significance.

Fulgent Genetics
Classification: Uncertain significance for Congenital muscular hypertrophy-cerebral syndrome; Developmental and epileptic encephalopathy, 85, with or without midline brain defects. Last evaluated: 2021-12-08. Review status: criteria provided, single submitter. Criteria: ACMG Guidelines, 2015. Collection method: clinical testing. Allele origin: unknown.

GeneDx
Classification: Uncertain significance. Last evaluated: 2021-05-27. Review status: criteria provided, single submitter. Criteria: GeneDx Variant Classification Process June 2021. Collection method: clinical testing. Allele origin: germline. Affected: yes.
Comment: Has not been previously published as pathogenic or benign to our knowledge; In-silico analysis, which includes splice predictors and evolutionary conservation, is inconclusive as to whether the variant alters gene splicing. In the absence of RNA/functional studies, the actual effect of this sequence change is unknown.; This variant is associated with the following publications: (PMID: 27535533)

Literature cited by the submitters: PubMed 17576681 (cited by Labcorp Genetics (formerly Invitae), Labcorp); PubMed 9536098 (cited by Labcorp Genetics (formerly Invitae), Labcorp).